The following is an entry in ClinVar:

NM_020975.6(RET):c.2166G>T (p.Lys722Asn)

Gene: RET (ret proto-oncogene; plus strand). Cytogenetic location: 10q11.21.
Variant type: single nucleotide variant.
Coding change: c.2166G>T on transcript NM_020975.6 (MANE Select); coding-DNA position 2166, G replaced by T.
Protein change: p.Lys722Asn; replaces lysine 722 with asparagine.
Molecular consequence: missense variant.
Genome position (GRCh38, 1-based): chr10:43,116,613, G>T. VCF-style: chr10-43116613-G-T. GRCh37 (hg19) VCF-style: chr10-43612061-G-T.
Other names: c.1770G>T, p.Lys590Asn (NM_001406769.1, NM_001406772.1); c.1878G>T, p.Lys626Asn (NM_001406770.1, NM_001406766.1, NM_001406767.1); c.1728G>T, p.Lys576Asn (NM_001406771.1, NM_001406773.1); c.1641G>T, p.Lys547Asn (NM_001406774.1); c.1440G>T, p.Lys480Asn (NM_001406775.1, NM_001406776.1, NM_001406777.1 and 1 more transcripts); c.2166G>T, p.Lys722Asn (NM_000323.2, NM_001406743.1, NM_001406744.1 and 4 more transcripts); c.1404G>T, p.Lys468Asn (NM_001355216.2); c.2037G>T, p.Lys679Asn (NM_001406761.1, NM_001406762.1, NM_001406764.1); and 10 more; short protein forms K722N, K468N, K239N, K423N, K480N, K576N, K634N, K327N.
Identifiers: ClinVar variation 136108 (VCV000136108.27), dbSNP rs527726480, ClinGen allele CA008592.

ClinVar aggregate classification (germline): Conflicting classifications of pathogenicity. Review status: criteria provided, conflicting classifications (1 of 4 stars). 10 submissions from 10 submitters: Uncertain significance (8); Likely benign (2). Last evaluated 2026-02-12.

Conditions:
Pheochromocytoma. Also called: MAX-Related Hereditary Paraganglioma-Pheochromocytoma Syndrome. Identifiers: Orphanet 29072, MedGen C0031511, MONDO:0008233, OMIM 171300, HP:0002666.
Hirschsprung disease, susceptibility to, 1 (HSCR1). Also called: RET-Related Hirschsprung Disease. Identifiers: Orphanet 388, MedGen C3888239, MONDO:0007723, OMIM 142623.
Familial medullary thyroid carcinoma (MTC). Also called: Thyroid cancer, familial medullary; MTC, familial; Familial Medullary Thyroid Carcinoma (FMTC). Identifiers: Orphanet 653, Orphanet 99361, MedGen C1833921, MONDO:0007958, OMIM 155240.
Multiple endocrine neoplasia type 2B. Also called: MEN IIB; NEUROMATA, MUCOSAL, WITH ENDOCRINE TUMORS; WAGENMANN-FROBOESE SYNDROME; MULTIPLE ENDOCRINE NEOPLASIA, TYPE III; MULTIPLE ENDOCRINE NEOPLASIA, TYPE IIB; MEN 2B. Identifiers: Orphanet 247709, Orphanet 653, MedGen C0025269, MeSH D018814, MONDO:0008082, OMIM 162300.
Multiple endocrine neoplasia type 2A. Also called: Multiple Endocrine Neoplasia Type 2A (MEN2A); MULTIPLE ENDOCRINE NEOPLASIA, TYPE IIA; PTC SYNDROME; SIPPLE SYNDROME; MEN 2A; MEN-2A syndrome. Identifiers: Orphanet 247698, Orphanet 653, MedGen C0025268, MeSH D018813, MONDO:0008234, OMIM 171400.
Hereditary cancer. Identifiers: MedGen C1333600.
RET-related disorder. Also called: RET-related disorders; RET-related condition; RET-related disease.
Hereditary cancer-predisposing syndrome. Also called: Tumor predisposition; Hereditary neoplastic syndrome; Hereditary Cancer Syndrome; Neoplastic Syndromes, Hereditary. Identifiers: Orphanet 140162, MedGen C0027672, MeSH D009386, MONDO:0015356.
Multiple endocrine neoplasia, type 2 (MEN2). Identifiers: Orphanet 653, MedGen C4048306, MONDO:0019003. Disease mechanism: gain of function.

Allele frequency attached by ClinVar (database versions not stated): ExAC 0.00002; gnomAD 0.00002 and 0.00001; gnomAD exomes 0.00003 and 0.00001; TOPMed 0.00008; 1000 Genomes Project 0.00020; 1000 Genomes Project 30x 0.00031.
gnomAD v4.1: 24 of 1,614,192 alleles (0.0015%); highest among the groups gnomAD compares: Admixed American, 0.015%; no homozygotes.

Submissions (10):

PreventionGenetics, part of Exact Sciences
Classification: Uncertain significance for RET-related condition. Last evaluated: 2026-02-12. Review status: criteria provided, single submitter. Criteria: ACMG Guidelines, 2015. Collection method: clinical testing. Allele origin: germline.
Comment: The RET c.2166G>T variant is predicted to result in the amino acid substitution p.Lys722Asn. This variant has been reported as a somatic alteration in an individual with squamous cell lung cancer (Zhao et al. 2020. PubMed ID: 32284345, Table S1) and in cohorts of breast cancer patients (Table S3, Guindalini et al. 2022. PubMed ID: 35264596; Table S3, de Oliveira et al. 2022. PubMed ID: 35534704) but classified as uncertain. This variant is reported in 0.014% of alleles in individuals of Latino descent in gnomAD and is interpreted as likely benign and uncertain in ClinVar (Variation ID: 136108). Although we suspect that this variant may be benign, at this time, the clinical significance of this variant is uncertain due to the absence of conclusive functional and genetic evidence.

Labcorp Genetics (formerly Invitae), Labcorp
Classification: Uncertain significance for Multiple endocrine neoplasia, type 2. Last evaluated: 2026-01-13. Review status: criteria provided, single submitter. Criteria: Invitae Variant Classification Sherloc (09022015). Collection method: clinical testing. Allele origin: germline.
Comment: This sequence change replaces lysine, which is basic and polar, with asparagine, which is neutral and polar, at codon 722 of the RET protein (p.Lys722Asn). This variant is present in population databases (rs527726480, gnomAD 0.02%). This missense change has been observed in individual(s) with breast cancer (PMID: 35264596, 35534704). ClinVar contains an entry for this variant (Variation ID: 136108). An algorithm developed to predict the effect of missense changes on protein structure and function (PolyPhen-2) suggests that this variant is likely to be tolerated. In summary, the available evidence is currently insufficient to determine the role of this variant in disease. Therefore, it has been classified as a Variant of Uncertain Significance.

Quest Diagnostics Nichols Institute San Juan Capistrano
Classification: Uncertain significance. Last evaluated: 2025-06-20. Review status: criteria provided, single submitter. Criteria: Quest Diagnostics criteria. Collection method: clinical testing. Allele origin: unknown.

Dasa
Classification: Uncertain significance. Last evaluated: 2025-05-18. Review status: criteria provided, single submitter. Criteria: DASA Assertion Criteria. Collection method: clinical testing. Allele origin: germline.
Comment: NM_020975.6(RET):c.2166G>T (p.Lys722Asn) is a missense variant that results in the substitution of lysine with asparagine. This variant is rare in population databases. Computational prediction algorithms are consistent with a deleterious effect. The currently available literature and clinical evidence are not sufficient to establish a definitive association between this variant and the reported condition. Therefore, this variant is classified as a variant of uncertain significance.

GeneDx
Classification: Uncertain significance. Last evaluated: 2024-04-01. Review status: criteria provided, single submitter. Criteria: GeneDx Variant Classification Process June 2021. Collection method: clinical testing. Allele origin: germline. Affected: yes.
Comment: In silico analysis supports that this missense variant does not alter protein structure/function; In silico analysis suggests this variant may impact gene splicing. In the absence of RNA/functional studies, the actual effect of this sequence change is unknown.; Observed in individuals with breast cancer in the published literature (PMID: 35264596, 35534704); This variant is associated with the following publications: (PMID: 14633923, 35264596, 35957908, 35534704)

Mendelics
Classification: Likely benign for Hereditary cancer. Last evaluated: 2024-01-23. Review status: criteria provided, single submitter. Criteria: ACMG Guidelines, 2015. Collection method: clinical testing. Allele origin: unknown.

All of Us Research Program, National Institutes of Health
Classification: Uncertain significance for Multiple endocrine neoplasia, type 2. Last evaluated: 2023-12-18. Review status: criteria provided, single submitter. Criteria: ACMG Guidelines, 2015. Collection method: clinical testing. Allele origin: germline. Inheritance: Autosomal dominant inheritance. Observed: 4 variant alleles, 4 heterozygotes.
Comment: This missense variant replaces lysine with asparagine at codon 722 of the RET protein. Computational prediction suggests that this variant may not impact protein structure and function (internally defined REVEL score threshold <= 0.5, PMID: 27666373). To our knowledge, functional studies have not been reported for this variant. This variant has not been reported in individuals affected with hereditary cancer in the literature. This variant has been identified in 8/251484 chromosomes in the general population by the Genome Aggregation Database (gnomAD). The available evidence is insufficient to determine the role of this variant in disease conclusively. Therefore, this variant is classified as a Variant of Uncertain Significance.

This study involves interpretation of variants in research participants for the purpose of population health screening. Participant phenotype was not available at the time of variant classification. Additional details can be found in publication PMID: 35346344, PMCID: PMC8962531

Baylor Genetics
Classification: Uncertain significance for Hirschsprung disease, susceptibility to, 1. Last evaluated: 2023-09-24. Review status: criteria provided, single submitter. Criteria: ACMG Guidelines, 2015. Collection method: clinical testing. Allele origin: unknown.

Fulgent Genetics
Classification: Uncertain significance for Hirschsprung disease, susceptibility to, 1; Familial medullary thyroid carcinoma; Multiple endocrine neoplasia type 2B; Pheochromocytoma; Multiple endocrine neoplasia type 2A. Last evaluated: 2022-04-14. Review status: criteria provided, single submitter. Criteria: ACMG Guidelines, 2015. Collection method: clinical testing. Allele origin: unknown.

Ambry Genetics
Classification: Likely benign for Hereditary cancer-predisposing syndrome. Last evaluated: 2021-10-08. Review status: criteria provided, single submitter. Criteria: Ambry Variant Classification Scheme 2023. Collection method: clinical testing. Allele origin: germline.

Literature cited by the submitters: PubMed 35264596 (cited by Labcorp Genetics (formerly Invitae), Labcorp); PubMed 35534704 (cited by Labcorp Genetics (formerly Invitae), Labcorp).